The following is an entry in ClinVar:

NM_001080517.3(SETD5):c.2633A>G (p.Glu878Gly)

Gene: SETD5 (SET domain containing 5; plus strand). Cytogenetic location: 3p25.3.
Variant type: single nucleotide variant.
Coding change: c.2633A>G on transcript NM_001080517.3 (MANE Select); coding-DNA position 2633, A replaced by G.
Protein change: p.Glu878Gly; replaces glutamic acid 878 with glycine.
Molecular consequence: missense variant.
Genome position (GRCh38, 1-based): chr3:9,464,581, A>G. VCF-style: chr3-9464581-A-G. GRCh37 (hg19) VCF-style: chr3-9506265-A-G.
Other names: c.2339A>G, p.Glu780Gly (NM_001292043.2, NM_001349451.2); short protein forms E780G, E878G.
Identifiers: ClinVar variation 3369889 (VCV003369889.2).
Genomic context (GRCh38, chr3:9,464,581, plus strand): 5'-CTCCCAATTCAGGCTCAAAGAGTCCCCAGCTGGCCACACCTGGCTCATCTCACCCAGGAG[A>G]AGAGGAGTGTCGAAATGGATACAGCCTCATGTTTTCACCAGTCACATCTCTTACTACTGC-3'
Protein context (NP_001073986.1, residues 868-888): LATPGSSHPG[Glu878Gly]EECRNGYSLM

ClinVar aggregate classification (germline): Uncertain significance. Review status: criteria provided, multiple submitters, no conflicts (2 of 4 stars). 2 submissions from 2 submitters: Uncertain significance (2). Last evaluated 2025-02-06.

gnomAD v4.1: 3 of 1,613,862 alleles (0.00019%); highest among the groups gnomAD compares: Non-Finnish European, 0.000085%; no homozygotes.

Submissions (2):

Labcorp Genetics (formerly Invitae), Labcorp
Classification: Uncertain significance. Last evaluated: 2025-02-06. Review status: criteria provided, single submitter. Criteria: Invitae Variant Classification Sherloc (09022015). Collection method: clinical testing. Allele origin: germline.
Comment: This sequence change replaces glutamic acid, which is acidic and polar, with glycine, which is neutral and non-polar, at codon 878 of the SETD5 protein (p.Glu878Gly). This variant is not present in population databases (gnomAD no frequency). This variant has not been reported in the literature in individuals affected with SETD5-related conditions. ClinVar contains an entry for this variant (Variation ID: 3369889). Invitae Evidence Modeling of protein sequence and biophysical properties (such as structural, functional, and spatial information, amino acid conservation, physicochemical variation, residue mobility, and thermodynamic stability) indicates that this missense variant is not expected to disrupt SETD5 protein function with a negative predictive value of 80%. In summary, the available evidence is currently insufficient to determine the role of this variant in disease. Therefore, it has been classified as a Variant of Uncertain Significance.

GeneDx
Classification: Uncertain significance. Last evaluated: 2024-02-28. Review status: criteria provided, single submitter. Criteria: GeneDx Variant Classification Process June 2021. Collection method: clinical testing. Allele origin: germline. Affected: yes.
Comment: Not observed at significant frequency in large population cohorts (gnomAD); In silico analysis supports that this missense variant does not alter protein structure/function; Has not been previously published as pathogenic or benign to our knowledge